The following is an entry in ClinVar:

ClinVar aggregate classification (germline): Uncertain significance (1 of 4 stars; one submission).

Conditions:
Tuberous sclerosis 1 (TSC1). Identifiers: Orphanet 805, MedGen C1854465, MONDO:0008612, OMIM 191100.

Submission:

Labcorp Genetics (formerly Invitae), Labcorp
Classification: Uncertain significance for Tuberous sclerosis 1. Last evaluated: 2024-08-27. Review status: criteria provided, single submitter. Criteria: Invitae Variant Classification Sherloc (09022015). Collection method: clinical testing. Allele origin: germline.
Comment: This sequence change replaces alanine, which is neutral and non-polar, with serine, which is neutral and polar, at codon 1072 of the TSC1 protein (p.Ala1072Ser). This variant is not present in population databases (gnomAD no frequency). This variant has not been reported in the literature in individuals affected with TSC1-related conditions. ClinVar contains an entry for this variant (Variation ID: 954406). Invitae Evidence Modeling of protein sequence and biophysical properties (such as structural, functional, and spatial information, amino acid conservation, physicochemical variation, residue mobility, and thermodynamic stability) indicates that this missense variant is not expected to disrupt TSC1 protein function with a negative predictive value of 95%. In summary, the available evidence is currently insufficient to determine the role of this variant in disease. Therefore, it has been classified as a Variant of Uncertain Significance.

NM_000368.5(TSC1):c.3214G>T (p.Ala1072Ser)

Gene: TSC1 (TSC complex subunit 1; minus strand). Cytogenetic location: 9q34.13.
Variant type: single nucleotide variant.
Coding change: c.3214G>T on transcript NM_000368.5 (MANE Select); coding-DNA position 3214, G replaced by T.
Protein change: p.Ala1072Ser; replaces alanine 1072 with serine.
Molecular consequence: missense variant.
Genome position (GRCh38, 1-based): chr9:132,896,516, C>A on the plus strand (G>T on the coding strand, the complement: TSC1 is on the minus strand). VCF-style: chr9-132896516-C-A. GRCh37 (hg19) VCF-style: chr9-135771903-C-A.
Other names: c.3211G>T, p.Ala1071Ser (NM_001162426.2); c.3061G>T, p.Ala1021Ser (NM_001162427.2); c.2851G>T, p.Ala951Ser (NM_001362177.2); short protein forms A1021S, A951S, A1071S, A1072S.
Identifiers: ClinVar variation 954406 (VCV000954406.9), dbSNP rs1845060154, ClinGen allele CA375366990.